The following is an entry in ClinVar:

ClinVar aggregate classification (germline): Uncertain significance. Review status: criteria provided, multiple submitters, no conflicts (2 of 4 stars). 3 submissions from 3 submitters: Uncertain significance (3). Last evaluated 2025-11-24.

Conditions:
Intrauterine growth retardation, metaphyseal dysplasia, adrenal hypoplasia congenita, genital anomalies, and immunodeficiency. Also called: IMAGEI SYNDROME. Identifiers: MedGen C5193036, MONDO:0032684, OMIM 618336.
Colorectal cancer, susceptibility to, 12 (CRCS12). Also called: COLORECTAL CANCER, SUSCEPTIBILITY TO, ON CHROMOSOME 12q24. Identifiers: Orphanet 220460, MedGen C3554460, MONDO:0014038, OMIM 615083.
Facial dysmorphism-immunodeficiency-livedo-short stature syndrome. Also called: FILS syndrome; Facial dysmorphism, immunodeficiency, livedo, and short stature. Identifiers: Orphanet 352712, MedGen C3554576, MONDO:0014058, OMIM 615139.
Hereditary cancer-predisposing syndrome. Also called: Hereditary neoplastic syndrome; Neoplastic Syndromes, Hereditary; Hereditary Cancer Syndrome; Tumor predisposition. Identifiers: Orphanet 140162, MedGen C0027672, MeSH D009386, MONDO:0015356.

gnomAD v4.1: 3 of 1,613,806 alleles (0.00019%); no homozygotes.

Submissions (3):

Labcorp Genetics (formerly Invitae), Labcorp
Classification: Uncertain significance. Last evaluated: 2025-11-24. Review status: criteria provided, single submitter. Criteria: Invitae Variant Classification Sherloc (09022015). Collection method: clinical testing. Allele origin: germline.
Comment: This sequence change replaces alanine, which is neutral and non-polar, with serine, which is neutral and polar, at codon 565 of the POLE protein (p.Ala565Ser). This variant is not present in population databases (gnomAD no frequency). This variant has not been reported in the literature in individuals affected with POLE-related conditions. ClinVar contains an entry for this variant (Variation ID: 659112). Invitae Evidence Modeling of protein sequence and biophysical properties (such as structural, functional, and spatial information, amino acid conservation, physicochemical variation, residue mobility, and thermodynamic stability) indicates that this missense variant is not expected to disrupt POLE protein function with a negative predictive value of 80%. RNA analysis performed to evaluate the impact of this missense change on mRNA splicing indicates it does not significantly alter splicing (internal data). In summary, the available evidence is currently insufficient to determine the role of this variant in disease. Therefore, it has been classified as a Variant of Uncertain Significance.

Fulgent Genetics
Classification: Uncertain significance for Colorectal cancer, susceptibility to, 12; Facial dysmorphism-immunodeficiency-livedo-short stature syndrome; Intrauterine growth retardation, metaphyseal dysplasia, adrenal hypoplasia congenita, genital anomalies, and immunodeficiency. Last evaluated: 2024-05-31. Review status: criteria provided, single submitter. Criteria: ACMG Guidelines, 2015. Collection method: clinical testing. Allele origin: germline.

Ambry Genetics
Classification: Uncertain significance for Hereditary cancer-predisposing syndrome. Last evaluated: 2021-08-04. Review status: criteria provided, single submitter. Criteria: Ambry Variant Classification Scheme 2023. Collection method: clinical testing. Allele origin: germline.
Comment: The p.A565S variant (also known as c.1693G>T), located in coding exon 16 of the POLE gene, results from a G to T substitution at nucleotide position 1693. The alanine at codon 565 is replaced by serine, an amino acid with similar properties. This amino acid position is conserved. In addition, this alteration is predicted to be tolerated by in silico analysis. Since supporting evidence is limited at this time, the clinical significance of this alteration remains unclear.

NM_006231.4(POLE):c.1693G>T (p.Ala565Ser)

Gene: POLE (DNA polymerase epsilon, catalytic subunit; minus strand). Cytogenetic location: 12q24.33.
Variant type: single nucleotide variant.
Coding change: c.1693G>T on transcript NM_006231.4 (MANE Select); coding-DNA position 1693, G replaced by T.
Protein change: p.Ala565Ser; replaces alanine 565 with serine.
Molecular consequence: missense variant.
Genome position (GRCh38, 1-based): chr12:132,672,316, C>A on the plus strand (G>T on the coding strand, the complement: POLE is on the minus strand). VCF-style: chr12-132672316-C-A. GRCh37 (hg19) VCF-style: chr12-133248902-C-A.
Other names: short protein forms A565S.
Identifiers: ClinVar variation 659112 (VCV000659112.12), dbSNP rs747247890, ClinGen allele CA246293025.